The following is an entry in ClinVar:

ClinVar aggregate classification (germline): Benign. Review status: criteria provided, multiple submitters, no conflicts (2 of 4 stars). 5 submissions from 5 submitters: Benign (5). Last evaluated 2026-01-15.

Allele frequency attached by ClinVar (database versions not stated): TOPMed 0.01278; 1000 Genomes Project 30x 0.01874; gnomAD 0.01163 and 0.01183; gnomAD exomes 0.00326 and 0.00867; ExAC 0.00936; ESP Exome Variant Server 0.00990; 1000 Genomes Project 0.02097.
gnomAD v4.1: 6,825 of 1,614,020 alleles (0.42%); highest among the groups gnomAD compares: East Asian, 5.7%; 148 homozygotes.

Submissions (5):

Labcorp Genetics (formerly Invitae), Labcorp
Classification: Benign. Last evaluated: 2026-01-15. Review status: criteria provided, single submitter. Criteria: Invitae Variant Classification Sherloc (09022015). Collection method: clinical testing. Allele origin: germline.

Athena Diagnostics
Classification: Benign. Last evaluated: 2018-09-14. Review status: criteria provided, single submitter. Criteria: Athena Diagnostics Criteria. Collection method: clinical testing. Allele origin: germline.

GeneDx
Classification: Benign. Last evaluated: 2017-10-23. Review status: criteria provided, single submitter. Criteria: GeneDx Variant Classification Process June 2021. Collection method: clinical testing. Allele origin: germline. Affected: yes.

Laboratory for Molecular Medicine, Mass General Brigham Personalized Medicine
Classification: Benign. Last evaluated: 2012-05-07. Review status: criteria provided, single submitter. Criteria: LMM Criteria. Collection method: clinical testing. Allele origin: germline. Observed: 19 variant alleles.
Comment: "Thr1541Thr in Exon 36 of PCDH15: This variant is not expected to have clinical significance because it does not alter an amino acid residue, is not located wit hin the splice consensus sequence, and has been identified in 3.2% (77/2374) of African American chromosomes from a broad population by the NHLBI Exome Sequenci ng Project (dbSNP rs16937769)."

Breakthrough Genomics
Classification: Benign. Review status: criteria provided, single submitter. Criteria: ACMG Guidelines, 2015. Collection method: not provided. Allele origin: germline. Inheritance: Autosomal recessive inheritance. Affected: yes.

NM_001384140.1(PCDH15):c.4671+1114A>C

Gene: PCDH15 (protocadherin related 15; minus strand). Cytogenetic location: 10q21.1.
Variant type: single nucleotide variant.
Coding change: c.4671+1114A>C on transcript NM_001384140.1 (MANE Select); 1114 bases into the intron after coding-DNA position 4671, A replaced by C.
Molecular consequence: intron variant. On other transcripts: synonymous variant (2), 3 prime UTR variant (1).
Genome position (GRCh38, 1-based): chr10:53,809,442, T>G on the plus strand (A>C on the coding strand, the complement: PCDH15 is on the minus strand). VCF-style: chr10-53809442-T-G. GRCh37 (hg19) VCF-style: chr10-55569202-T-G.
Other names: c.4623A>C, p.Thr1541= (NM_001142769.4); c.*38A>C (NM_001142770.3); c.4602A>C, p.Thr1534= (NM_001354411.2); c.4476+1114A>C (NM_001354420.2); c.4605+1114A>C (NM_001354429.2); c.4482+1114A>C (NM_001142772.2); c.4497+1114A>C (NM_001142771.2).
Identifiers: ClinVar variation 44033 (VCV000044033.19), dbSNP rs16937769, ClinGen allele CA133433.